The following is an entry in ClinVar:

NM_017934.7(PHIP):c.330C>A (p.Arg110=)

Gene: PHIP (PHIP subunit of CUL4-Ring ligase complex; minus strand). Cytogenetic location: 6q14.1.
Variant type: single nucleotide variant.
Coding change: c.330C>A on transcript NM_017934.7 (MANE Select); coding-DNA position 330, C replaced by A.
Protein change: p.Arg110=; no amino-acid change (arginine 110 retained).
Molecular consequence: synonymous variant.
Genome position (GRCh38, 1-based): chr6:79,060,678, G>T on the plus strand (C>A on the coding strand, the complement: PHIP is on the minus strand). VCF-style: chr6-79060678-G-T. GRCh37 (hg19) VCF-style: chr6-79770395-G-T.
Identifiers: ClinVar variation 4998238 (VCV004998238.1).
Genomic context (GRCh38, chr6:79,060,678, plus strand): 5'-AACAAAAGTGAGATAAATAATGTCTAAATCCTATGAGAAAATTTTCATACTTTTATTTGT[G>T]CGTAGTAAAGACTGTCTTCCAGCTCCTAATAAAGTTTGTACTCCAGGAACACTTTGAGGA-3'
Protein context (NP_060404.4, residues 100-120): LLGAGRQSLL[Arg110=]TNKSCKHVVW

ClinVar aggregate classification (germline): Likely benign (1 of 4 stars; one submission).

Conditions:
PHIP-related disorder. Also called: PHIP-related disorders; PHIP-related condition.

gnomAD v4.1: 5 of 1,611,150 alleles (0.00031%); highest among the groups gnomAD compares: African/African-American, 0.0067%; no homozygotes.

Submission:

PreventionGenetics, part of Exact Sciences
Classification: Likely benign for PHIP-related condition. Last evaluated: 2025-09-26. Review status: criteria provided, single submitter. Criteria: ACMG Guidelines, 2015. Collection method: clinical testing. Allele origin: germline.
Comment: This variant is classified as likely benign based on ACMG/AMP sequence variant interpretation guidelines (Richards et al. 2015 PMID: 25741868, with internal and published modifications).